The following is an entry in ClinVar:

NM_152416.4(NDUFAF6):c.421-20T>C

Gene: NDUFAF6 (NADH:ubiquinone oxidoreductase complex assembly factor 6; plus strand). Cytogenetic location: 8q22.1.
Variant type: single nucleotide variant.
Coding change: c.421-20T>C on transcript NM_152416.4 (MANE Select); 20 bases into the intron before coding-DNA position 421, T replaced by C.
Molecular consequence: intron variant.
Genome position (GRCh38, 1-based): chr8:95,041,550, T>C. VCF-style: chr8-95041550-T-C. GRCh37 (hg19) VCF-style: chr8-96053778-T-C.
Other names: c.88-20T>C (NM_001354534.2, NM_001354518.2, NM_001354519.2 and 1 more transcripts); c.145-20T>C (NM_001354514.2, NM_001354515.2, NM_001330582.2 and 1 more transcripts); c.-36-20T>C (NM_001354525.2, NM_001354524.2, NM_001354522.2 and 7 more transcripts); c.265-20T>C (NM_001354516.2).
Identifiers: ClinVar variation 513246 (VCV000513246.1), dbSNP rs761006829, ClinGen allele CA4814789.

ClinVar aggregate classification (germline): Likely benign (1 of 4 stars; one submission).

Allele frequency attached by ClinVar (database versions not stated): gnomAD exomes 0.00001 and 0.00003; ExAC 0.00002.
gnomAD v4.1: 16 of 1,480,128 alleles (0.0011%); highest among the groups gnomAD compares: South Asian, 0.0035%; no homozygotes.

Submission:

GeneDx
Classification: Likely benign. Last evaluated: 2017-11-21. Review status: criteria provided, single submitter. Criteria: GeneDx Variant Classification (06012015). Collection method: clinical testing. Allele origin: germline. Affected: yes.
Comment: This variant is considered likely benign or benign based on one or more of the following criteria: it is a conservative change, it occurs at a poorly conserved position in the protein, it is predicted to be benign by multiple in silico algorithms, and/or has population frequency not consistent with disease.